The following is an entry in ClinVar:

NM_005334.3(HCFC1):c.503+14C>G

Gene: HCFC1 (host cell factor C1; minus strand). Cytogenetic location: Xq28.
Variant type: single nucleotide variant.
Coding change: c.503+14C>G on transcript NM_005334.3 (MANE Select); 14 bases into the intron after coding-DNA position 503, C replaced by G.
Molecular consequence: intron variant.
Genome position (GRCh38, 1-based): chrX:153,964,110, G>C on the plus strand (C>G on the coding strand, the complement: HCFC1 is on the minus strand). VCF-style: chrX-153964110-G-C. GRCh37 (hg19) VCF-style: chrX-153229561-G-C.
Identifiers: ClinVar variation 445538 (VCV000445538.11), dbSNP rs371163886, ClinGen allele CA10557679.

ClinVar aggregate classification (germline): Benign/Likely benign. Review status: criteria provided, multiple submitters, no conflicts (2 of 4 stars). 3 submissions from 3 submitters: Benign (1); Likely benign (2). Last evaluated 2026-02-04.

Conditions:
Methylmalonic acidemia with homocystinuria, type cblX (MAHCX). Also called: INTELLECTUAL DEVELOPMENTAL DISORDER, X-LINKED 3. Identifiers: Orphanet 369962, MedGen C0796208, MONDO:0010657, OMIM 309541.

Allele frequency attached by ClinVar (database versions not stated): TOPMed 0.00059; gnomAD 0.00068; gnomAD exomes 0.00084 and 0.00100; ExAC 0.00093; ESP Exome Variant Server 0.00143.
gnomAD v4.1: 1,159 of 1,185,008 alleles (0.098%); highest among the groups gnomAD compares: Non-Finnish European, 0.11%; no homozygotes.

Submissions (3):

Labcorp Genetics (formerly Invitae), Labcorp
Classification: Benign for Methylmalonic acidemia with homocystinuria, type cblX. Last evaluated: 2026-02-04. Review status: criteria provided, single submitter. Criteria: Invitae Variant Classification Sherloc (09022015). Collection method: clinical testing. Allele origin: germline.

GeneDx
Classification: Likely benign. Last evaluated: 2017-11-29. Review status: criteria provided, single submitter. Criteria: GeneDx Variant Classification (06012015). Collection method: clinical testing. Allele origin: germline. Affected: yes.
Comment: This variant is considered likely benign or benign based on one or more of the following criteria: it is a conservative change, it occurs at a poorly conserved position in the protein, it is predicted to be benign by multiple in silico algorithms, and/or has population frequency not consistent with disease.

Center for Pediatric Genomic Medicine, Children's Mercy Hospital and Clinics
Classification: Likely benign. Last evaluated: 2017-08-14. Review status: criteria provided, single submitter. Criteria: ACMG Guidelines, 2015. Collection method: clinical testing. Allele origin: germline.